The following is an entry in ClinVar:

ClinVar aggregate classification (germline): Uncertain significance (1 of 4 stars; one submission).

Submission:

Labcorp Genetics (formerly Invitae), Labcorp
Classification: Uncertain significance. Last evaluated: 2022-09-19. Review status: criteria provided, single submitter. Criteria: Invitae Variant Classification Sherloc (09022015). Collection method: clinical testing. Allele origin: germline.
Comment: This sequence change replaces serine, which is neutral and polar, with phenylalanine, which is neutral and non-polar, at codon 1366 of the CACNA1D protein (p.Ser1366Phe). This variant is not present in population databases (gnomAD no frequency). This variant has not been reported in the literature in individuals affected with CACNA1D-related conditions. Advanced modeling of protein sequence and biophysical properties (such as structural, functional, and spatial information, amino acid conservation, physicochemical variation, residue mobility, and thermodynamic stability) performed at Invitae indicates that this missense variant is expected to disrupt CACNA1D protein function. In summary, the available evidence is currently insufficient to determine the role of this variant in disease. Therefore, it has been classified as a Variant of Uncertain Significance.

NM_001128840.3(CACNA1D):c.4037C>T (p.Ser1346Phe)

Gene: CACNA1D (calcium voltage-gated channel subunit alpha1 D; plus strand). Cytogenetic location: 3p21.1.
Variant type: single nucleotide variant.
Coding change: c.4037C>T on transcript NM_001128840.3 (MANE Select); coding-DNA position 4037, C replaced by T.
Protein change: p.Ser1346Phe; replaces serine 1346 with phenylalanine.
Molecular consequence: missense variant.
Genome position (GRCh38, 1-based): chr3:53,770,545, C>T. VCF-style: chr3-53770545-C-T. GRCh37 (hg19) VCF-style: chr3-53804572-C-T.
Other names: c.4097C>T, p.Ser1366Phe (NM_000720.4); c.3992C>T, p.Ser1331Phe (NM_001128839.3); short protein forms S1331F, S1346F, S1366F.
Identifiers: ClinVar variation 1718340 (VCV001718340.5), dbSNP rs2474191347, ClinGen allele CA353258037.